The following is an entry in ClinVar:

NM_138694.4(PKHD1):c.4845G>A (p.Thr1615=)

Genes: PKHD1 (PKHD1 ciliary IPT domain containing fibrocystin/polyductin; minus strand), LOC126859690 (MED14-independent group 3 enhancer GRCh37_chr6:51888848-51890047; plus strand). Cytogenetic location: 6p12.2.
Variant type: single nucleotide variant.
Coding change: c.4845G>A on transcript NM_138694.4 (MANE Select); coding-DNA position 4845, G replaced by A.
Protein change: p.Thr1615=; no amino-acid change (threonine 1615 retained).
Molecular consequence: synonymous variant.
Genome position (GRCh38, 1-based): chr6:52,024,965, C>T on the plus strand (G>A on the coding strand, the complement: PKHD1 is on the minus strand). VCF-style: chr6-52024965-C-T. GRCh37 (hg19) VCF-style: chr6-51889763-C-T.
Other names: c.4845G>A, p.Thr1615= (NM_170724.3).
Identifiers: ClinVar variation 970673 (VCV000970673.13), dbSNP rs750233738, ClinGen allele CA3852658.

ClinVar aggregate classification (germline): Likely benign. Review status: criteria provided, single submitter (1 of 4 stars). 3 submissions from 3 submitters: Likely benign (1). 2 of the submissions do not count toward it. Last evaluated 2025-11-24.

Conditions:
Autosomal recessive polycystic kidney disease (ARPKD). Also called: AR polycystic kidney disease. Identifiers: Orphanet 731, Orphanet 8378, MedGen C0085548, MeSH D017044, MONDO:0009889.
PKHD1-related disorder. Also called: PKHD1-related condition.

Allele frequency attached by ClinVar (database versions not stated): ExAC 0.00001; gnomAD exomes 0.00002; gnomAD 0.00003; TOPMed 0.00006.
gnomAD v4.1: 36 of 1,614,078 alleles (0.0022%); highest among the groups gnomAD compares: African/African-American, 0.0067%; no homozygotes.

Submissions (3):

Labcorp Genetics (formerly Invitae), Labcorp
Classification: Likely benign for Autosomal recessive polycystic kidney disease. Last evaluated: 2025-11-24. Review status: criteria provided, single submitter. Criteria: Invitae Variant Classification Sherloc (09022015). Collection method: clinical testing. Allele origin: germline.

PreventionGenetics, part of Exact Sciences
Classification: Likely benign for PKHD1-related condition. Last evaluated: 2023-06-29. Review status: no assertion criteria provided. Collection method: clinical testing. Allele origin: germline. Not counted in ClinVar's aggregate classification.
Comment: This variant is classified as likely benign based on ACMG/AMP sequence variant interpretation guidelines (Richards et al. 2015 PMID: 25741868, with internal and published modifications).

Natera, Inc.
Classification: Uncertain significance for Autosomal recessive polycystic kidney disease. Last evaluated: 2018-11-19. Review status: no assertion criteria provided. Collection method: clinical testing. Allele origin: germline. Not counted in ClinVar's aggregate classification.